The following is an entry in ClinVar:

NM_002609.4(PDGFRB):c.1548G>C (p.Gln516His)

Gene: PDGFRB (platelet derived growth factor receptor beta; minus strand). Cytogenetic location: 5q32.
Variant type: single nucleotide variant.
Coding change: c.1548G>C on transcript NM_002609.4 (MANE Select); coding-DNA position 1548, G replaced by C.
Protein change: p.Gln516His; replaces glutamine 516 with histidine.
Molecular consequence: missense variant.
Genome position (GRCh38, 1-based): chr5:150,129,788, C>G on the plus strand (G>C on the coding strand, the complement: PDGFRB is on the minus strand). VCF-style: chr5-150129788-C-G. GRCh37 (hg19) VCF-style: chr5-149509351-C-G.
Other names: c.1356G>C, p.Gln452His (NM_001355016.2); c.1065G>C, p.Gln355His (NM_001355017.2); short protein forms Q516H, Q355H, Q452H.
Identifiers: ClinVar variation 4794351 (VCV004794351.1).

ClinVar aggregate classification (germline): Uncertain significance (1 of 4 stars; one submission).

Conditions:
Skeletal overgrowth-craniofacial dysmorphism-hyperelastic skin-white matter lesions syndrome. Also called: SKELETAL OVERGROWTH WITH FACIAL DYSMORPHISM, HYPERELASTIC SKIN, WHITE MATTER LESIONS, AND NEUROLOGIC DETERIORATION; Kosaki overgrowth syndrome. Identifiers: Orphanet 477831, MedGen C4225270, MONDO:0014704, OMIM 616592.
Acroosteolysis-keloid-like lesions-premature aging syndrome. Also called: Premature aging syndrome, Penttinen type; Prematurely aged appearance, delayed bone maturation, acro-osteolysis, and brachydactyly; Progeroid syndrome, Penttinen type. Identifiers: Orphanet 363665, MedGen C1866182, MONDO:0011150, OMIM 601812.
Infantile myofibromatosis (IMF). Also called: Congenital generalized fibromatosis. Identifiers: Orphanet 2591, MedGen C0432284, MONDO:0016824.
Basal ganglia calcification, idiopathic, 4 (PFBC4). Also called: Familial Idiopathic Basal Ganglia Calcification 4; PRIMARY FAMILIAL BRAIN CALCIFICATION 4, AUTOSOMAL DOMINANT. Identifiers: Orphanet 1980, MedGen C3554321, MONDO:0014004, OMIM 615007.

Submission:

Labcorp Genetics (formerly Invitae), Labcorp
Classification: Uncertain significance for Basal ganglia calcification, idiopathic, 4; Skeletal overgrowth-craniofacial dysmorphism-hyperelastic skin-white matter lesions syndrome; Infantile myofibromatosis; Acroosteolysis-keloid-like lesions-premature aging syndrome. Last evaluated: 2025-09-07. Review status: criteria provided, single submitter. Criteria: Invitae Variant Classification Sherloc (09022015). Collection method: clinical testing. Allele origin: germline.
Comment: This sequence change replaces glutamine, which is neutral and polar, with histidine, which is basic and polar, at codon 516 of the PDGFRB protein (p.Gln516His). This variant is not present in population databases (gnomAD no frequency). This variant has not been reported in the literature in individuals affected with PDGFRB-related conditions. Invitae Evidence Modeling of protein sequence and biophysical properties (such as structural, functional, and spatial information, amino acid conservation, physicochemical variation, residue mobility, and thermodynamic stability) indicates that this missense variant is not expected to disrupt PDGFRB protein function with a negative predictive value of 80%. In summary, the available evidence is currently insufficient to determine the role of this variant in disease. Therefore, it has been classified as a Variant of Uncertain Significance.